The following is an entry in ClinVar:

NM_021008.4(DEAF1):c.461A>G (p.Asp154Gly)

Gene: DEAF1 (DEAF1 transcription factor; minus strand). Cytogenetic location: 11p15.5.
Variant type: single nucleotide variant.
Coding change: c.461A>G on transcript NM_021008.4 (MANE Select); coding-DNA position 461, A replaced by G.
Protein change: p.Asp154Gly; replaces aspartic acid 154 with glycine.
Molecular consequence: missense variant. On other transcripts: 5 prime UTR variant (1).
Genome position (GRCh38, 1-based): chr11:688,387, T>C on the plus strand (A>G on the coding strand, the complement: DEAF1 is on the minus strand). VCF-style: chr11-688387-T-C. GRCh37 (hg19) VCF-style: chr11-688387-T-C.
Other names: c.461A>G, p.Asp154Gly (NM_001293634.2); c.-266A>G (NM_001367390.1); short protein forms D154G.
Identifiers: ClinVar variation 1334021 (VCV001334021.3), dbSNP rs749062794, ClinGen allele CA5786541.

ClinVar aggregate classification (germline): Uncertain significance. Review status: criteria provided, multiple submitters, no conflicts (2 of 4 stars). 2 submissions from 2 submitters: Uncertain significance (2). Last evaluated 2025-02-02.

Conditions:
Intellectual disability, autosomal dominant 24 (VSVS). Also called: VULTO-VAN SILFHOUT-DE VRIES SYNDROME. Identifiers: MedGen C4014414, MONDO:0014357, OMIM 615828.

Allele frequency attached by ClinVar (database versions not stated): gnomAD exomes 0.00001; ExAC 0.00002.
gnomAD v4.1: 3 of 1,613,860 alleles (0.00019%); highest among the groups gnomAD compares: Non-Finnish European, 0.00025%; no homozygotes.

Submissions (2):

Labcorp Genetics (formerly Invitae), Labcorp
Classification: Uncertain significance. Last evaluated: 2025-02-02. Review status: criteria provided, single submitter. Criteria: Invitae Variant Classification Sherloc (09022015). Collection method: clinical testing. Allele origin: germline.
Comment: This sequence change replaces aspartic acid, which is acidic and polar, with glycine, which is neutral and non-polar, at codon 154 of the DEAF1 protein (p.Asp154Gly). This variant is present in population databases (rs749062794, gnomAD 0.002%). This variant has not been reported in the literature in individuals affected with DEAF1-related conditions. ClinVar contains an entry for this variant (Variation ID: 1334021). Invitae Evidence Modeling of protein sequence and biophysical properties (such as structural, functional, and spatial information, amino acid conservation, physicochemical variation, residue mobility, and thermodynamic stability) indicates that this missense variant is expected to disrupt DEAF1 protein function with a positive predictive value of 80%. Algorithms developed to predict the effect of sequence changes on RNA splicing suggest that this variant may create or strengthen a splice site. In summary, the available evidence is currently insufficient to determine the role of this variant in disease. Therefore, it has been classified as a Variant of Uncertain Significance.

CENTOGENE GmbH and LLC - Guiding Precision Medicine
Classification: Uncertain significance for Intellectual disability, autosomal dominant 24. Last evaluated: 2018-10-10. Review status: criteria provided, single submitter. Criteria: ACMG Guidelines, 2015. Collection method: clinical testing. Allele origin: germline. Affected: yes.